The following is an entry in ClinVar:

NM_000875.5(IGF1R):c.*1543A>G

Gene: IGF1R (insulin like growth factor 1 receptor; plus strand). Cytogenetic location: 15q26.3.
Variant type: single nucleotide variant.
Coding change: c.*1543A>G on transcript NM_000875.5 (MANE Select); 1543 bases downstream of the stop codon, A replaced by G.
Molecular consequence: 3 prime UTR variant.
Genome position (GRCh38, 1-based): chr15:98,958,985, A>G. VCF-style: chr15-98958985-A-G. GRCh37 (hg19) VCF-style: chr15-99502214-A-G.
Other names: c.*1543A>G (NM_001291858.2).
Identifiers: ClinVar variation 885892 (VCV000885892.4), dbSNP rs192125453, ClinGen allele CA275335115.

ClinVar aggregate classification (germline): Likely benign (1 of 4 stars; one submission).

Conditions:
Growth delay due to insulin-like growth factor I resistance. Also called: Somatomedin end-organ insensitivity to; Somatomedin-c resistance to; IGF-1 resistance; IGF-I RESISTANCE; Insulin-Like Growth Factor I Resistance. Identifiers: Orphanet 73273, MedGen C1849157, MONDO:0010038, OMIM 270450.

Allele frequency attached by ClinVar (database versions not stated): gnomAD exomes 0.00166; gnomAD 0.00495 and 0.00535; 1000 Genomes Project 0.00519; 1000 Genomes Project 30x 0.00547; TOPMed 0.00576.
gnomAD v4.1: 890 of 233,338 alleles (0.38%); highest among the groups gnomAD compares: African/African-American, 1.5%; 3 homozygotes.

Submission:

Illumina Laboratory Services, Illumina
Classification: Likely benign for Growth delay due to insulin-like growth factor I resistance. Last evaluated: 2018-01-13. Review status: criteria provided, single submitter. Criteria: ICSL Variant Classification Criteria 13 December 2019. Collection method: clinical testing. Allele origin: germline.
Comment: This variant was observed in the ICSL laboratory as part of a predisposition screen in an ostensibly healthy population. It had not been previously curated by ICSL or reported in the Human Gene Mutation Database (HGMD: prior to June 1st, 2018), and was therefore a candidate for classification through an automated scoring system. Utilizing variant allele frequency, disease prevalence and penetrance estimates, and inheritance mode, an automated score was calculated to assess if this variant is too frequent to cause the disease. Based on the score and internal cut-off values, a variant classified as likely benign is not then subjected to further curation. The score for this variant resulted in a classification of likely benign for this disease.